The following is an entry in ClinVar:

NM_024296.5(CCDC28B):c.163A>G (p.Arg55Gly)

Gene: CCDC28B (coiled-coil domain containing 28B; plus strand). Cytogenetic location: 1p35.2.
Variant type: single nucleotide variant.
Coding change: c.163A>G on transcript NM_024296.5 (MANE Select); coding-DNA position 163, A replaced by G.
Protein change: p.Arg55Gly; replaces arginine 55 with glycine.
Molecular consequence: missense variant.
Genome position (GRCh38, 1-based): chr1:32,202,098, A>G. VCF-style: chr1-32202098-A-G. GRCh37 (hg19) VCF-style: chr1-32667699-A-G.
Other names: c.163A>G, p.Arg55Gly (NM_001301011.2); short protein forms R55G.
Identifiers: ClinVar variation 3239304 (VCV003239304.19), dbSNP rs1353976652.

ClinVar aggregate classification (germline): Uncertain significance (1 of 4 stars; one submission).

Allele frequency attached by ClinVar (database versions not stated): gnomAD exomes below 0.00001; gnomAD 0.00001; TOPMed 0.00002.
gnomAD v4.1: 2 of 1,612,244 alleles (0.00012%); highest among the groups gnomAD compares: Non-Finnish European, 0.00017%; no homozygotes.

Submission:

CeGaT Center for Human Genetics Tuebingen
Classification: Uncertain significance. Last evaluated: 2024-05-01. Review status: criteria provided, single submitter. Criteria: CeGaT Center For Human Genetics Tuebingen Variant Classification Criteria Version 2. Collection method: clinical testing. Allele origin: germline. Affected: yes. Observed: 1 variant allele.
Comment: CCDC28B: PM2, BP4